The following is an entry in ClinVar:

ClinVar aggregate classification (germline): Uncertain significance. Review status: criteria provided, multiple submitters, no conflicts (2 of 4 stars). 4 submissions from 4 submitters: Uncertain significance (4). Last evaluated 2025-03-04.

Conditions:
Familial melanoma. Also called: Hereditary melanoma; Hereditary cutaneous melanoma. Identifiers: Orphanet 618, MedGen C1512419, MONDO:0018961.
Hereditary cancer-predisposing syndrome. Also called: Neoplastic Syndromes, Hereditary; Hereditary Cancer Syndrome; Tumor predisposition; Hereditary neoplastic syndrome. Identifiers: Orphanet 140162, MedGen C0027672, MeSH D009386, MONDO:0015356.

Allele frequency attached by ClinVar (database versions not stated): gnomAD exomes 0.00003; ExAC 0.00007; TOPMed 0.00002.
gnomAD v4.1: 12 of 1,603,876 alleles (0.00075%); highest among the groups gnomAD compares: Non-Finnish European, 0.001%; no homozygotes.

Submissions (4):

Center for Genomic Medicine, Rigshospitalet, Copenhagen University Hospital
Classification: Uncertain significance. Last evaluated: 2025-03-04. Review status: criteria provided, single submitter. Criteria: ACMG Guidelines, 2015. Collection method: clinical testing. Allele origin: germline.

GeneDx
Classification: Uncertain significance. Last evaluated: 2022-05-04. Review status: criteria provided, single submitter. Criteria: GeneDx Variant Classification Process June 2021. Collection method: clinical testing. Allele origin: germline. Affected: yes.
Comment: In silico analysis supports that this missense variant has a deleterious effect on protein structure/function; Has not been previously published as pathogenic or benign to our knowledge; This variant is associated with the following publications: (PMID: 9653180, 9529249, 16173922)

Ambry Genetics
Classification: Uncertain significance for Hereditary cancer-predisposing syndrome. Last evaluated: 2022-01-05. Review status: criteria provided, single submitter. Criteria: Ambry Variant Classification Scheme 2023. Collection method: clinical testing. Allele origin: germline.
Comment: The p.R19L variant (also known as c.56G>T), located in coding exon 1 of the CDKN2A gene, results from a G to T substitution at nucleotide position 56. The arginine at codon 19 is replaced by leucine, an amino acid with dissimilar properties. This amino acid position is well conserved in available vertebrate species. In addition, this alteration is predicted to be tolerated by in silico analysis. Since supporting evidence is limited at this time, the clinical significance of this alteration remains unclear.

Labcorp Genetics (formerly Invitae), Labcorp
Classification: Uncertain significance for Familial melanoma. Last evaluated: 2021-10-06. Review status: criteria provided, single submitter. Criteria: Invitae Variant Classification Sherloc (09022015). Collection method: clinical testing. Allele origin: germline.
Comment: This sequence change replaces arginine with leucine at codon 19 of the CDKN2A (p14ARF) protein (p.Arg19Leu). The arginine residue is moderately conserved and there is a moderate physicochemical difference between arginine and leucine. This variant is present in population databases (rs748616717, ExAC 0.01%). This variant has not been reported in the literature in individuals affected with CDKN2A (p14ARF)-related conditions. ClinVar contains an entry for this variant (Variation ID: 419750). Algorithms developed to predict the effect of missense changes on protein structure and function output the following: SIFT: "Tolerated"; PolyPhen-2: "Probably Damaging"; Align-GVGD: "Class C25". The leucine amino acid residue is found in multiple mammalian species, which suggests that this missense change does not adversely affect protein function. In summary, the available evidence is currently insufficient to determine the role of this variant in disease. Therefore, it has been classified as a Variant of Uncertain Significance.

NM_058195.4(CDKN2A):c.56G>T (p.Arg19Leu)

Gene: CDKN2A (cyclin dependent kinase inhibitor 2A; minus strand). Cytogenetic location: 9p21.3.
Variant type: single nucleotide variant.
Coding change: c.56G>T on transcript NM_058195.4 (MANE Plus Clinical); coding-DNA position 56, G replaced by T.
Protein change: p.Arg19Leu; replaces arginine 19 with leucine.
Molecular consequence: missense variant. On other transcripts: intron variant (1).
Genome position (GRCh38, 1-based): chr9:21,994,276, C>A on the plus strand (G>T on the coding strand, the complement: CDKN2A is on the minus strand). VCF-style: chr9-21994276-C-A. GRCh37 (hg19) VCF-style: chr9-21994275-C-A.
Other names: c.-4+545G>T (NM_001363763.2); short protein forms R19L.
Identifiers: ClinVar variation 419750 (VCV000419750.15), dbSNP rs748616717, ClinGen allele CA5012397.